The following is an entry in ClinVar:

NM_020408.6(LYRM4):c.215T>C (p.Ile72Thr)

Genes: LYRM4 (LYR motif containing 4; minus strand), LYRM4-AS1 (LYRM4 antisense RNA 1; plus strand). Cytogenetic location: 6p25.1.
Variant type: single nucleotide variant.
Coding change: c.215T>C on transcript NM_020408.6 (MANE Select); coding-DNA position 215, T replaced by C.
Protein change: p.Ile72Thr; replaces isoleucine 72 with threonine.
Molecular consequence: missense variant. On other transcripts: 3 prime UTR variant (1), non-coding transcript variant (2), intron variant (1).
Genome position (GRCh38, 1-based): chr6:5,109,484, A>G on the plus strand (T>C on the coding strand, the complement: LYRM4 is on the minus strand). VCF-style: chr6-5109484-A-G. GRCh37 (hg19) VCF-style: chr6-5109718-A-G.
Other names: c.*49T>C (NM_001164841.3); c.208-40818T>C (NM_001318783.1); short protein forms I72T.
Identifiers: ClinVar variation 2890200 (VCV002890200.3), dbSNP rs748527056, ClinGen allele CA3623429.

ClinVar aggregate classification (germline): Uncertain significance (1 of 4 stars; one submission).

Allele frequency attached by ClinVar (database versions not stated): ExAC 0.00002; gnomAD 0.00010.
gnomAD v4.1: 67 of 1,613,944 alleles (0.0042%); highest among the groups gnomAD compares: Non-Finnish European, 0.0052%; no homozygotes.

Submission:

Labcorp Genetics (formerly Invitae), Labcorp
Classification: Uncertain significance. Last evaluated: 2025-09-02. Review status: criteria provided, single submitter. Criteria: Invitae Variant Classification Sherloc (09022015). Collection method: clinical testing. Allele origin: germline.
Comment: This sequence change replaces isoleucine, which is neutral and non-polar, with threonine, which is neutral and polar, at codon 72 of the LYRM4 protein (p.Ile72Thr). This variant is present in population databases (rs748527056, gnomAD 0.006%). This variant has not been reported in the literature in individuals affected with LYRM4-related conditions. ClinVar contains an entry for this variant (Variation ID: 2890200). An algorithm developed to predict the effect of missense changes on protein structure and function (PolyPhen-2) suggests that this variant is likely to be tolerated. In summary, the available evidence is currently insufficient to determine the role of this variant in disease. Therefore, it has been classified as a Variant of Uncertain Significance.